The following is an entry in ClinVar:

ClinVar aggregate classification (germline): Uncertain significance. Review status: criteria provided, multiple submitters, no conflicts (2 of 4 stars). 2 submissions from 2 submitters: Uncertain significance (2). Last evaluated 2023-10-31.

Conditions:
Deficiency of cytochrome-b5 reductase. Also called: METHEMOGLOBINEMIA, CONGENITAL, AUTOSOMAL RECESSIVE; NADH-DEPENDENT METHEMOGLOBIN REDUCTASE DEFICIENCY. Identifiers: Orphanet 621, MedGen C0268193, MONDO:0009606, OMIM 250800.

gnomAD v4.1: 5 of 1,597,790 alleles (0.00031%); highest among the groups gnomAD compares: Middle Eastern, 0.033%; no homozygotes.

Submissions (2):

Revvity Omics, Revvity
Classification: Uncertain significance for Deficiency of cytochrome-b5 reductase. Last evaluated: 2023-10-31. Review status: criteria provided, single submitter. Criteria: ACMG Guidelines, 2015. Collection method: clinical testing. Allele origin: germline.

GeneDx
Classification: Uncertain significance. Last evaluated: 2019-11-25. Review status: criteria provided, single submitter. Criteria: GeneDx Variant Classification Process June 2021. Collection method: clinical testing. Allele origin: germline. Affected: yes.
Comment: In silico analysis, which includes protein predictors and evolutionary conservation, supports that this variant does not alter protein structure/function; Has not been previously published as pathogenic or benign to our knowledge

NM_000398.7(CYB5R3):c.871G>A (p.Val291Met)

Gene: CYB5R3 (cytochrome b5 reductase 3; minus strand). Cytogenetic location: 22q13.2.
Variant type: single nucleotide variant.
Coding change: c.871G>A on transcript NM_000398.7 (MANE Select); coding-DNA position 871, G replaced by A.
Protein change: p.Val291Met; replaces valine 291 with methionine.
Molecular consequence: missense variant.
Genome position (GRCh38, 1-based): chr22:42,619,808, C>T on the plus strand (G>A on the coding strand, the complement: CYB5R3 is on the minus strand). VCF-style: chr22-42619808-C-T. GRCh37 (hg19) VCF-style: chr22-43015814-C-T.
Other names: c.802G>A, p.Val268Met (NM_001129819.2, NM_001171661.1, NM_007326.4); c.970G>A, p.Val324Met (NM_001171660.2); short protein forms V268M, V291M, V324M.
Identifiers: ClinVar variation 1310279 (VCV001310279.3), dbSNP rs773106001, ClinGen allele CA411795871.
Genomic context (GRCh38, chr22:42,619,808, plus strand): 5'-GTGGCCGTGTGACCGTGCCCGGCCCTCAGAAGACGAAGCAGCGCTCCGTGGGGTGGCCCA[C>T]GTGGTCCAGGTTGGGAAGGCAGGCGTACTGGATCATGGGTGGGGGGCCACACATCAGCAC-3'
Protein context (NP_000389.1, residues 281-301): QYACLPNLDH[Val291Met]GHPTERCFVF